The following is an entry in ClinVar:

NM_001363711.2(DUOX2):c.214G>T (p.Ala72Ser)

Gene: DUOX2 (dual oxidase 2; minus strand). Cytogenetic location: 15q21.1.
Variant type: single nucleotide variant.
Coding change: c.214G>T on transcript NM_001363711.2 (MANE Select); coding-DNA position 214, G replaced by T.
Protein change: p.Ala72Ser; replaces alanine 72 with serine.
Molecular consequence: missense variant.
Genome position (GRCh38, 1-based): chr15:45,112,665, C>A on the plus strand (G>T on the coding strand, the complement: DUOX2 is on the minus strand). VCF-style: chr15-45112665-C-A. GRCh37 (hg19) VCF-style: chr15-45404863-C-A.
Other names: c.214G>T, p.Ala72Ser (NM_014080.5); short protein forms A72S.
Identifiers: ClinVar variation 2581580 (VCV002581580.3), dbSNP rs199733766, ClinGen allele CA7539068.

ClinVar aggregate classification (germline): Uncertain significance. Review status: criteria provided, multiple submitters, no conflicts (2 of 4 stars). 2 submissions from 2 submitters: Uncertain significance (2). Last evaluated 2023-08-08.

Conditions:
Thyroid dyshormonogenesis 6 (TDH6). Also called: HYPOTHYROIDISM, CONGENITAL, DUE TO DYSHORMONOGENESIS, 6; THYROID HORMONOGENESIS, GENETIC DEFECT IN, 6; Genetic transient congenital hypothyroidism. Identifiers: Orphanet 226316, Orphanet 95716, MedGen C1846632, MONDO:0011792, OMIM 607200.

Allele frequency attached by ClinVar (database versions not stated): TOPMed below 0.00001; gnomAD 0.00001; gnomAD exomes 0.00001; ExAC 0.00002; 1000 Genomes Project 30x 0.00016; 1000 Genomes Project 0.00020.
gnomAD v4.1: 11 of 1,612,866 alleles (0.00068%); highest among the groups gnomAD compares: East Asian, 0.022%; no homozygotes.

Submissions (2):

Women's Health and Genetics/Laboratory Corporation of America, LabCorp
Classification: Uncertain significance. Last evaluated: 2023-08-08. Review status: criteria provided, single submitter. Criteria: LabCorp Variant Classification Summary - May 2015. Collection method: clinical testing. Allele origin: germline.
Comment: Variant summary: DUOX2 c.214G>T (p.Ala72Ser) results in a conservative amino acid change located in the Dual oxidase, peroxidase domain (IPR034821) of the encoded protein sequence. Four of five in-silico tools predict a benign effect of the variant on protein function. The variant allele was found at a frequency of 1.2e-05 in 247976 control chromosomes (gnomAD). c.214G>T has been reported in the literature in individuals affected with congenital hypothyroidism (Jin_2014, Wang_2021). These data indicate that the variant may be associated with disease. At least one publication reports experimental evidence evaluating an impact on protein function, finding that cells transfected with the variant vector produce ~25% of normal H2O2 (Jin_2014). The following publications have been ascertained in the context of this evaluation (PMID: 25248169, 33631011). No submitters have cited clinical-significance assessments for this variant to ClinVar after 2014. Based on the evidence outlined above, the variant was classified as VUS-possibly pathogenic.

Juno Genomics, Hangzhou Juno Genomics, Inc
Classification: Uncertain significance for Thyroid dyshormonogenesis 6. Review status: criteria provided, single submitter. Criteria: ACMG Guidelines, 2015. Collection method: clinical testing. Allele origin: germline.
Comment: Absent from controls (or at extremely low frequency if recessive) in Genome Aggregation Database.;Well-established in vitro or in vivo functional studies supportive of a damaging effect on the gene or gene product.

Literature cited by the submitters: PubMed 33631011 (cited by Women's Health and Genetics/Laboratory Corporation of America, LabCorp); PubMed 25248169 (cited by Women's Health and Genetics/Laboratory Corporation of America, LabCorp).